The following is an entry in ClinVar:

NM_033109.5(PNPT1):c.976+251T>C

Gene: PNPT1 (polyribonucleotide nucleotidyltransferase 1; minus strand). Cytogenetic location: 2p16.1.
Variant type: single nucleotide variant.
Coding change: c.976+251T>C on transcript NM_033109.5 (MANE Select); 251 bases into the intron after coding-DNA position 976, T replaced by C.
Molecular consequence: intron variant.
Genome position (GRCh38, 1-based): chr2:55,671,068, A>G on the plus strand (T>C on the coding strand, the complement: PNPT1 is on the minus strand). VCF-style: chr2-55671068-A-G. GRCh37 (hg19) VCF-style: chr2-55898203-A-G.
Identifiers: ClinVar variation 667458 (VCV000667458.2), dbSNP rs782633, ClinGen allele CA11115933.
Genomic context (GRCh38, chr2:55,671,068, plus strand): 5'-TAAAATTAAAAAATACATAGTAATAGCGGTTCTGTGCAAAGGGGACTTTCTCTTTCCCCG[A>G]AACAGTTCGGGGAAGCTTTGGAGAAGAGGTGGCATTTGAACCTTGGGTTAGAAGAAGACC-3'

ClinVar aggregate classification (germline): Benign. Review status: criteria provided, multiple submitters, no conflicts (2 of 4 stars). 2 submissions from 2 submitters: Benign (2). Last evaluated 2018-06-14.

Allele frequency attached by ClinVar (database versions not stated): 1000 Genomes Project 0.32688; 1000 Genomes Project 30x 0.33042; TOPMed 0.43322; gnomAD 0.44489 and 0.45238.
gnomAD v4.1: 67,562 of 152,010 alleles (44%); highest among the groups gnomAD compares: Non-Finnish European, 52%; 15,901 homozygotes.

Submissions (2):

GeneDx
Classification: Benign. Last evaluated: 2018-06-14. Review status: criteria provided, single submitter. Criteria: GeneDx Variant Classification (06012015). Collection method: clinical testing. Allele origin: germline. Affected: yes.
Comment: This variant is considered likely benign or benign based on one or more of the following criteria: it is a conservative change, it occurs at a poorly conserved position in the protein, it is predicted to be benign by multiple in silico algorithms, and/or has population frequency not consistent with disease.

Breakthrough Genomics
Classification: Benign. Review status: criteria provided, single submitter. Criteria: ACMG Guidelines, 2015. Collection method: not provided. Allele origin: germline. Inheritance: Autosomal recessive inheritance. Affected: yes.